The following is an entry in ClinVar:

NM_001876.4(CPT1A):c.1339C>T (p.Arg447Ter)

Genes: CPT1A (carnitine palmitoyltransferase 1A; minus strand), LOC126861244 (BRD4-independent group 4 enhancer GRCh37_chr11:68549035-68550234; plus strand). Cytogenetic location: 11q13.3.
Variant type: single nucleotide variant.
Coding change: c.1339C>T on transcript NM_001876.4 (MANE Select); coding-DNA position 1339, C replaced by T.
Protein change: p.Arg447Ter; replaces arginine 447 with a stop codon.
Molecular consequence: nonsense.
Genome position (GRCh38, 1-based): chr11:68,781,784, G>A on the plus strand (C>T on the coding strand, the complement: CPT1A is on the minus strand). VCF-style: chr11-68781784-G-A. GRCh37 (hg19) VCF-style: chr11-68549252-G-A.
Other names: c.1339C>T, p.Arg447Ter (NM_001031847.3); short protein forms R447*.
Identifiers: ClinVar variation 65641 (VCV000065641.12), dbSNP rs397515543, ClinGen allele CA344962.

ClinVar aggregate classification (germline): Pathogenic/Likely pathogenic. Review status: criteria provided, multiple submitters, no conflicts (2 of 4 stars). 3 submissions from 3 submitters: Pathogenic (2); Likely pathogenic (1). Last evaluated 2024-11-05.

Conditions:
Carnitine palmitoyl transferase 1A deficiency. Also called: CPT deficiency, hepatic, type IA; Carnitine palmitoyltransferase 1A deficiency; Carnitine palmitoyltransferase type I deficiency; CPT I DEFICIENCY; CPT DEFICIENCY, HEPATIC, TYPE I. Identifiers: Orphanet 156, MedGen C1829703, MONDO:0009705, OMIM 255120.

Allele frequency attached by ClinVar (database versions not stated): TOPMed below 0.00001; gnomAD exomes 0.00001.
gnomAD v4.1: 12 of 1,614,050 alleles (0.00074%); highest among the groups gnomAD compares: East Asian, 0.0022%; no homozygotes.

Submissions (3):

Labcorp Genetics (formerly Invitae), Labcorp
Classification: Pathogenic for Carnitine palmitoyl transferase 1A deficiency. Last evaluated: 2024-11-05. Review status: criteria provided, single submitter. Criteria: Invitae Variant Classification Sherloc (09022015). Collection method: clinical testing. Allele origin: germline.
Comment: This sequence change creates a premature translational stop signal (p.Arg447*) in the CPT1A gene. It is expected to result in an absent or disrupted protein product. Loss-of-function variants in CPT1A are known to be pathogenic (PMID: 16169268). This variant is not present in population databases (gnomAD no frequency). This premature translational stop signal has been observed in individual(s) with carnitine palmitoyl transferase I deficiency (PMID: 19345525). This variant is also known as p.R446X. ClinVar contains an entry for this variant (Variation ID: 65641). For these reasons, this variant has been classified as Pathogenic.

Fulgent Genetics
Classification: Likely pathogenic for Carnitine palmitoyl transferase 1A deficiency. Last evaluated: 2024-04-21. Review status: criteria provided, single submitter. Criteria: ACMG Guidelines, 2015. Collection method: clinical testing. Allele origin: germline.

Baylor Genetics
Classification: Pathogenic for Carnitine palmitoyl transferase 1A deficiency. Last evaluated: 2023-12-13. Review status: criteria provided, single submitter. Criteria: ACMG Guidelines, 2015. Collection method: clinical testing. Allele origin: unknown.

Literature cited by the submitters: PubMed 16169268 (cited by Labcorp Genetics (formerly Invitae), Labcorp); PubMed 19345525 (cited by Labcorp Genetics (formerly Invitae), Labcorp).